The following is an entry in ClinVar:

NM_001303256.3(MORC2):c.2891C>A (p.Ser964Tyr)

Gene: MORC2 (MORC family CW-type zinc finger 2; minus strand). Cytogenetic location: 22q12.2.
Variant type: single nucleotide variant.
Coding change: c.2891C>A on transcript NM_001303256.3 (MANE Select); coding-DNA position 2891, C replaced by A.
Protein change: p.Ser964Tyr; replaces serine 964 with tyrosine.
Molecular consequence: missense variant.
Genome position (GRCh38, 1-based): chr22:30,928,158, G>T on the plus strand (C>A on the coding strand, the complement: MORC2 is on the minus strand). VCF-style: chr22-30928158-G-T. GRCh37 (hg19) VCF-style: chr22-31324145-G-T.
Other names: c.2891C>A, p.Ser964Tyr (NM_001303257.2); c.2705C>A, p.Ser902Tyr (NM_014941.3); short protein forms S964Y, S902Y.
Identifiers: ClinVar variation 3572790 (VCV003572790.1).

ClinVar aggregate classification (germline): Uncertain significance (1 of 4 stars; one submission).

Submission:

GeneDx
Classification: Uncertain significance. Last evaluated: 2024-07-09. Review status: criteria provided, single submitter. Criteria: GeneDx Variant Classification Process June 2021. Collection method: clinical testing. Allele origin: germline. Affected: yes.
Comment: Not observed at significant frequency in large population cohorts (gnomAD); In silico analysis supports that this missense variant has a deleterious effect on protein structure/function; Has not been previously published as pathogenic or benign to our knowledge